The following is an entry in ClinVar:

ClinVar aggregate classification (germline): Uncertain significance. Review status: criteria provided, multiple submitters, no conflicts (2 of 4 stars). 6 submissions from 2 submitters: Uncertain significance (6). Last evaluated 2019-06-21.

Conditions:
Tibial muscular dystrophy (TMD). Also called: Udd Distal Myopathy – Tibial Muscular Dystrophy; UDD MYOPATHY; Tibial muscular dystrophy, tardive. Identifiers: Orphanet 609, MedGen C1838244, MONDO:0010870, OMIM 600334.
Early-onset myopathy with fatal cardiomyopathy (CMYO5). Also called: CONGENITAL MYOPATHY 5 WITH CARDIOMYOPATHY; Salih Myopathy. Identifiers: Orphanet 289377, MedGen C2673677, MONDO:0012714, OMIM 611705. Disease mechanism: loss of function.
Autosomal recessive limb-girdle muscular dystrophy type 2J (LGMDR10). Also called: MUSCULAR DYSTROPHY, LIMB-GIRDLE, AUTOSOMAL RECESSIVE 10; Limb-girdle muscular dystrophy, type 2J. Identifiers: Orphanet 140922, MedGen C1837342, MONDO:0012127, OMIM 608807.
Dilated cardiomyopathy 1G (CMD1G). Identifiers: Orphanet 154, MedGen C1858763, MONDO:0011400, OMIM 604145.
Myopathy, myofibrillar, 9, with early respiratory failure (MFM9). Also called: Myopathy, distal, with early respiratory failure, autosomal dominant; Hereditary myopathy with early respiratory failure; EDSTROM MYOPATHY; MYOPATHY, PROXIMAL, WITH EARLY RESPIRATORY MUSCLE INVOLVEMENT. Identifiers: Orphanet 178464, Orphanet 34521, MedGen C1863599, MONDO:0011362, OMIM 603689.

Submissions (6):

Baylor Genetics
Classification: Uncertain significance for Dilated cardiomyopathy 1G. Last evaluated: 2019-06-21. Review status: criteria provided, single submitter. Criteria: ACMG Guidelines, 2015. Collection method: clinical testing. Allele origin: unknown. Affected: yes.
Comment: This variant was determined to be of uncertain significance according to ACMG Guidelines, 2015 [PMID:25741868].

Illumina Laboratory Services, Illumina
Classification: Uncertain significance for Autosomal recessive limb-girdle muscular dystrophy type 2J. Last evaluated: 2018-01-13. Review status: criteria provided, single submitter. Criteria: ICSL Variant Classification Criteria 13 December 2019. Collection method: clinical testing. Allele origin: germline.

Illumina Laboratory Services, Illumina
Classification: Uncertain significance for Tibial muscular dystrophy. Last evaluated: 2018-01-13. Review status: criteria provided, single submitter. Criteria: ICSL Variant Classification Criteria 13 December 2019. Collection method: clinical testing. Allele origin: germline.

Illumina Laboratory Services, Illumina
Classification: Uncertain significance for Early-onset myopathy with fatal cardiomyopathy. Last evaluated: 2018-01-13. Review status: criteria provided, single submitter. Criteria: ICSL Variant Classification Criteria 13 December 2019. Collection method: clinical testing. Allele origin: germline.

Illumina Laboratory Services, Illumina
Classification: Uncertain significance for Myopathy, myofibrillar, 9, with early respiratory failure. Last evaluated: 2018-01-13. Review status: criteria provided, single submitter. Criteria: ICSL Variant Classification Criteria 13 December 2019. Collection method: clinical testing. Allele origin: germline.

Illumina Laboratory Services, Illumina
Classification: Uncertain significance for Dilated cardiomyopathy 1G. Last evaluated: 2018-01-13. Review status: criteria provided, single submitter. Criteria: ICSL Variant Classification Criteria 13 December 2019. Collection method: clinical testing. Allele origin: germline.

NM_001267550.2(TTN):c.20772G>T (p.Lys6924Asn)

Gene: TTN (titin; minus strand). Cytogenetic location: 2q31.2.
Variant type: single nucleotide variant.
Coding change: c.20772G>T on transcript NM_001267550.2 (MANE Select); coding-DNA position 20772, G replaced by T.
Protein change: p.Lys6924Asn; replaces lysine 6924 with asparagine.
Molecular consequence: missense variant. On other transcripts: intron variant (3).
Genome position (GRCh38, 1-based): chr2:178,725,432, C>A on the plus strand (G>T on the coding strand, the complement: TTN is on the minus strand). VCF-style: chr2-178725432-C-A. GRCh37 (hg19) VCF-style: chr2-179590159-C-A.
Other names: c.19821G>T, p.Lys6607Asn (NM_001256850.1); c.17040G>T, p.Lys5680Asn (NM_133378.4); c.13282+12650G>T (NM_003319.4); c.13858+12650G>T (NM_133437.4); c.13657+12650G>T (NM_133432.3); short protein forms K6924N, K5680N, K6607N.
Identifiers: ClinVar variation 332917 (VCV000332917.6), dbSNP rs369993514, ClinGen allele CA10611698.